The following is an entry in ClinVar:

NM_000091.5(COL4A3):c.3274G>A (p.Gly1092Arg)

Genes: COL4A3 (collagen type IV alpha 3 chain; plus strand), MFF-DT (MFF divergent transcript; minus strand). Cytogenetic location: 2q36.3.
Variant type: single nucleotide variant.
Coding change: c.3274G>A on transcript NM_000091.5 (MANE Select); coding-DNA position 3274, G replaced by A.
Protein change: p.Gly1092Arg; replaces glycine 1092 with arginine.
Molecular consequence: missense variant.
Genome position (GRCh38, 1-based): chr2:227,293,254, G>A. VCF-style: chr2-227293254-G-A. GRCh37 (hg19) VCF-style: chr2-228157970-G-A.
Other names: short protein forms G1092R.
Identifiers: ClinVar variation 4817244 (VCV004817244.1).
Genomic context (GRCh38, chr2:227,293,254, plus strand): 5'-GATCCAGGACTGCCGGGTGATATGGGAAAGAAAGGAGAAATGGGGCAACCTGGCCCACCT[G>A]GACATTTGGGGCCTGCTGGACCTGAGGGAGCCCCTGGAAGTCCTGGAAGTCCTGGCCTCC-3'
Protein context (NP_000082.2, residues 1082-1102): KGEMGQPGPP[Gly1092Arg]HLGPAGPEGA

ClinVar aggregate classification (germline): Likely pathogenic (1 of 4 stars; one submission).

Conditions:
Alport syndrome. Also called: Hemorrhagic familial nephritis; Hemorrhagic hereditary nephritis; Congenital hereditary hematuria. Identifiers: Orphanet 63, MedGen C1567741, MONDO:0018965.

gnomAD v4.1: 1 of 1,613,772 alleles (0.000062%); highest among the groups gnomAD compares: African/African-American, 0.0013%; no homozygotes.

Submission:

Natera, Inc.
Classification: Likely pathogenic for Alport syndrome. Last evaluated: 2026-01-20. Review status: criteria provided, single submitter. Criteria: Natera Variant Classification Schema (03/2026). Collection method: clinical testing. Allele origin: germline.
Comment: The c.3274G>A variant in COL4A3 is a missense variant predicted to cause substitution of glycine to arginine at amino acid 1092. This variant is rare in the general population with a frequency below the threshold expected for the associated phenotype(s). This variant is located in a functionally critical region of the protein. Computational prediction algorithms indicate this variant is likely to affect gene or protein function. Given the available evidence, this variant is classified as Likely Pathogenic.